The following is an entry in ClinVar:

NM_004168.4(SDHA):c.1350_1353delinsTCGG (p.Asn450_Arg451=)

Gene: SDHA (succinate dehydrogenase complex flavoprotein subunit A; plus strand). Cytogenetic location: 5p15.33.
Variant type: Indel.
Coding change: c.1350_1353delinsTCGG on transcript NM_004168.4 (MANE Select); coding-DNA positions 1350 to 1353, CCGC replaced by TCGG.
Protein change: p.Asn450_Arg451=.
Molecular consequence: synonymous variant.
Genome position (GRCh38, 1-based): chr5:236,517-236,520, CCGC replaced by TCGG. VCF-style: chr5-236517-CCGC-TCGG. GRCh37 (hg19) VCF-style: chr5-236632-CCGC-TCGG.
Other names: c.1206_1209delinsTCGG, p.Asn402_Arg403= (NM_001294332.2); c.1350_1353delinsTCGG, p.Asn450_Arg451= (NM_001330758.2).
Identifiers: ClinVar variation 3904356 (VCV003904356.1).
Genomic context (GRCh38, chr5:236,517, plus strand): 5'-GATTGTGCCCGGCCTGTACGCCTGTGGGGAGGCCGCCTGTGCCTCGGTACATGGTGCCAA[CCGC>TCGG]CTCGGGGCAAACTCGCTCTTGGACCTGGTTGTCTTTGGTCGGGCATGTGCCCTGAGCATC-3'

ClinVar aggregate classification (germline): Benign (1 of 4 stars; one submission).

Conditions:
Pheochromocytoma/paraganglioma syndrome 5. Also called: Paragangliomas 5; SDHA-Related Hereditary Paraganglioma-Pheochromocytoma Syndrome. Identifiers: Orphanet 29072, MedGen C3279992, MONDO:0013602, OMIM 614165.

Submission:

Myriad Genetics, Inc.
Classification: Benign for Pheochromocytoma/paraganglioma syndrome 5. Last evaluated: 2025-03-10. Review status: criteria provided, single submitter. Criteria: Myriad Autosomal Dominant, Autosomal Recessive and X-Linked Classification Criteria (2023). Collection method: clinical testing. Allele origin: unknown.
Comment: This variant is considered benign. This variant is a silent/synonymous amino acid change and it is not expected to impact splicing.